The following is an entry in ClinVar:

ClinVar aggregate classification (germline): Uncertain significance. Review status: criteria provided, multiple submitters, no conflicts (2 of 4 stars). 2 submissions from 2 submitters: Uncertain significance (2). Last evaluated 2024-10-25.

Conditions:
Inborn genetic diseases. Identifiers: MedGen C0950123, MeSH D030342.

Allele frequency attached by ClinVar (database versions not stated): gnomAD exomes below 0.00001.
gnomAD v4.1: 2 of 1,210,164 alleles (0.00017%); highest among the groups gnomAD compares: Non-Finnish European, 0.00011%; no homozygotes.

Submissions (2):

Ambry Genetics
Classification: Uncertain significance for Inborn genetic diseases. Last evaluated: 2024-10-25. Review status: criteria provided, single submitter. Criteria: Ambry Variant Classification Scheme 2023. Collection method: clinical testing. Allele origin: germline.

Labcorp Genetics (formerly Invitae), Labcorp
Classification: Uncertain significance. Last evaluated: 2022-09-13. Review status: criteria provided, single submitter. Criteria: Invitae Variant Classification Sherloc (09022015). Collection method: clinical testing. Allele origin: germline.
Comment: This variant has not been reported in the literature in individuals affected with PLS3-related conditions. This sequence change replaces arginine, which is basic and polar, with lysine, which is basic and polar, at codon 220 of the PLS3 protein (p.Arg220Lys). This variant is not present in population databases (gnomAD no frequency). Algorithms developed to predict the effect of missense changes on protein structure and function (SIFT, PolyPhen-2, Align-GVGD) all suggest that this variant is likely to be tolerated. In summary, the available evidence is currently insufficient to determine the role of this variant in disease. Therefore, it has been classified as a Variant of Uncertain Significance.

NM_005032.7(PLS3):c.659G>A (p.Arg220Lys)

Gene: PLS3 (plastin 3; plus strand). Cytogenetic location: Xq23.
Variant type: single nucleotide variant.
Coding change: c.659G>A on transcript NM_005032.7 (MANE Select); coding-DNA position 659, G replaced by A.
Protein change: p.Arg220Lys; replaces arginine 220 with lysine.
Molecular consequence: missense variant.
Genome position (GRCh38, 1-based): chrX:115,634,957, G>A. VCF-style: chrX-115634957-G-A. GRCh37 (hg19) VCF-style: chrX-114869269-G-A.
Other names: c.659G>A, p.Arg220Lys (NM_001136025.5); c.578G>A, p.Arg193Lys (NM_001172335.3); c.593G>A, p.Arg198Lys (NM_001282337.2); c.524G>A, p.Arg175Lys (NM_001282338.2); c.659G>A (NM_005032.5); short protein forms R193K, R198K, R220K, R175K.
Identifiers: ClinVar variation 1937109 (VCV001937109.6), dbSNP rs2074815433, ClinGen allele CA414334035.